The following is an entry in ClinVar:

NM_000057.4(BLM):c.1040A>C (p.Lys347Thr)

Gene: BLM (BLM RecQ like helicase; plus strand). Cytogenetic location: 15q26.1.
Variant type: single nucleotide variant.
Coding change: c.1040A>C on transcript NM_000057.4 (MANE Select); coding-DNA position 1040, A replaced by C.
Protein change: p.Lys347Thr; replaces lysine 347 with threonine.
Molecular consequence: missense variant. On other transcripts: 5 prime UTR variant (1).
Genome position (GRCh38, 1-based): chr15:90,754,891, A>C. VCF-style: chr15-90754891-A-C. GRCh37 (hg19) VCF-style: chr15-91298121-A-C.
Other names: c.1040A>C, p.Lys347Thr (NM_001287246.2, NM_001287247.2); c.-252A>C (NM_001287248.2); short protein forms K347T.
Identifiers: ClinVar variation 2586896 (VCV002586896.2), dbSNP rs2505407152, ClinGen allele CA393842156.
Genomic context (GRCh38, chr15:90,754,891, plus strand): 5'-CCTCTGACAGAAAAGAGGATGTTCTTAGCACATCAAAAGATCTTTTGTCAAAACCTGAGA[A>C]AATGAGTATGCAGGAGCTGAATCCAGAAACCAGCACAGACTGTGACGGTACAAGCAATAT-3'
Protein context (NP_000048.1, residues 337-357): TSKDLLSKPE[Lys347Thr]MSMQELNPET

ClinVar aggregate classification (germline): Uncertain significance (1 of 4 stars; one submission).

Conditions:
Hereditary cancer-predisposing syndrome. Also called: Hereditary neoplastic syndrome; Tumor predisposition; Hereditary Cancer Syndrome; Neoplastic Syndromes, Hereditary. Identifiers: Orphanet 140162, MedGen C0027672, MeSH D009386, MONDO:0015356.

Submission:

Ambry Genetics
Classification: Uncertain significance for Hereditary cancer-predisposing syndrome. Last evaluated: 2023-08-28. Review status: criteria provided, single submitter. Criteria: Ambry Variant Classification Scheme 2023. Collection method: clinical testing. Allele origin: germline.
Comment: The p.K347T variant (also known as c.1040A>C), located in coding exon 4 of the BLM gene, results from an A to C substitution at nucleotide position 1040. The lysine at codon 347 is replaced by threonine, an amino acid with similar properties. This amino acid position is conserved. In addition, this alteration is predicted to be tolerated by in silico analysis. Since supporting evidence is limited at this time, the clinical significance of this alteration remains unclear.